The following is an entry in ClinVar:

ClinVar aggregate classification (germline): Pathogenic (1 of 4 stars; one submission).

Submission:

Labcorp Genetics (formerly Invitae), Labcorp
Classification: Pathogenic. Last evaluated: 2025-04-07. Review status: criteria provided, single submitter. Criteria: Invitae Variant Classification Sherloc (09022015). Collection method: clinical testing. Allele origin: germline.
Comment: This sequence change creates a premature translational stop signal (p.Leu302Phefs*12) in the PLD1 gene. It is expected to result in an absent or disrupted protein product. Loss-of-function variants in PLD1 are known to be pathogenic (PMID: 27799408, 33645542). This variant is not present in population databases (gnomAD no frequency). This variant has not been reported in the literature in individuals affected with PLD1-related conditions. For these reasons, this variant has been classified as Pathogenic.

Literature cited by the submitters: PubMed 27799408; PubMed 33645542.

NM_002662.5(PLD1):c.904_905del (p.Leu302fs)

Gene: PLD1 (phospholipase D1; minus strand). Cytogenetic location: 3q26.31.
Variant type: Deletion.
Coding change: c.904_905del on transcript NM_002662.5 (MANE Select); coding-DNA positions 904 to 905, 2 bases deleted (CT; older notation c.904_905delCT).
Protein change: p.Leu302fs; shifts the reading frame from leucine 302.
Molecular consequence: frameshift variant.
Genome position (GRCh38, 1-based): chr3:171,713,899-171,713,900, AG deleted on the plus strand (CT on the coding strand, the reverse complement: PLD1 is on the minus strand); deleting any 2 consecutive bases within chr3:171,713,899-171,713,901 gives the same sequence; the c. name uses the placement nearest the transcript's 3' end. VCF-style (leftmost placement, unchanged base first): chr3-171713898-AAG-A. GRCh37 (hg19) VCF-style: chr3-171431688-AAG-A.
Other names: c.904_905del, p.Leu302fs (NM_001130081.3); short protein forms L302fs.
Identifiers: ClinVar variation 4798150 (VCV004798150.1).